The following is an entry in ClinVar:

NM_022726.4(ELOVL4):c.790A>G (p.Asn264Asp)

Gene: ELOVL4 (ELOVL fatty acid elongase 4; minus strand). Cytogenetic location: 6q14.1.
Variant type: single nucleotide variant.
Coding change: c.790A>G on transcript NM_022726.4 (MANE Select); coding-DNA position 790, A replaced by G.
Protein change: p.Asn264Asp; replaces asparagine 264 with aspartic acid.
Molecular consequence: missense variant.
Genome position (GRCh38, 1-based): chr6:79,916,763, T>C on the plus strand (A>G on the coding strand, the complement: ELOVL4 is on the minus strand). VCF-style: chr6-79916763-T-C. GRCh37 (hg19) VCF-style: chr6-80626480-T-C.
Other names: short protein forms N264D.
Identifiers: ClinVar variation 1913386 (VCV001913386.5), dbSNP rs2532967766, ClinGen allele CA364655838.

ClinVar aggregate classification (germline): Uncertain significance (1 of 4 stars; one submission).

Submission:

Labcorp Genetics (formerly Invitae), Labcorp
Classification: Uncertain significance. Last evaluated: 2022-08-23. Review status: criteria provided, single submitter. Criteria: Invitae Variant Classification Sherloc (09022015). Collection method: clinical testing. Allele origin: germline.
Comment: In summary, the available evidence is currently insufficient to determine the role of this variant in disease. Therefore, it has been classified as a Variant of Uncertain Significance. Algorithms developed to predict the effect of missense changes on protein structure and function are either unavailable or do not agree on the potential impact of this missense change (SIFT: "Tolerated"; PolyPhen-2: "Possibly Damaging"; Align-GVGD: "Class C0"). This variant has not been reported in the literature in individuals affected with ELOVL4-related conditions. This variant is not present in population databases (gnomAD no frequency). This sequence change replaces asparagine, which is neutral and polar, with aspartic acid, which is acidic and polar, at codon 264 of the ELOVL4 protein (p.Asn264Asp).